The following is an entry in ClinVar:

NM_017654.4(SAMD9):c.4561G>A (p.Glu1521Lys)

Gene: SAMD9 (sterile alpha motif domain containing 9; minus strand). Cytogenetic location: 7q21.2.
Variant type: single nucleotide variant.
Coding change: c.4561G>A on transcript NM_017654.4 (MANE Select); coding-DNA position 4561, G replaced by A.
Protein change: p.Glu1521Lys; replaces glutamic acid 1521 with lysine.
Molecular consequence: missense variant.
Genome position (GRCh38, 1-based): chr7:93,101,537, C>T on the plus strand (G>A on the coding strand, the complement: SAMD9 is on the minus strand). VCF-style: chr7-93101537-C-T. GRCh37 (hg19) VCF-style: chr7-92730850-C-T.
Other names: c.4561G>A, p.Glu1521Lys (NM_001193307.2); short protein forms E1521K.
Identifiers: ClinVar variation 786771 (VCV000786771.39), dbSNP rs115350620, ClinGen allele CA4342535.

ClinVar aggregate classification (germline): Benign. Review status: criteria provided, multiple submitters, no conflicts (2 of 4 stars). 4 submissions from 4 submitters: Benign (4). Last evaluated 2026-01-28.

Allele frequency attached by ClinVar (database versions not stated): gnomAD exomes 0.00031 and 0.00079; ExAC 0.00108; ESP Exome Variant Server 0.00284; gnomAD 0.00299 and 0.00320; TOPMed 0.00354; 1000 Genomes Project 30x 0.00406; 1000 Genomes Project 0.00439.

Submissions (4):

Labcorp Genetics (formerly Invitae), Labcorp
Classification: Benign. Last evaluated: 2026-01-28. Review status: criteria provided, single submitter. Criteria: Invitae Variant Classification Sherloc (09022015). Collection method: clinical testing. Allele origin: germline.

CeGaT Center for Human Genetics Tuebingen
Classification: Benign. Last evaluated: 2022-12-01. Review status: criteria provided, single submitter. Criteria: CeGaT Center For Human Genetics Tuebingen Variant Classification Criteria Version 2. Collection method: clinical testing. Allele origin: germline. Affected: yes. Observed: 1 variant allele.
Comment: SAMD9: BP4, BS1, BS2

Genetic Services Laboratory, University of Chicago
Classification: Benign. Last evaluated: 2018-05-03. Review status: criteria provided, single submitter. Criteria: ACMG Guidelines, 2015. Collection method: clinical testing. Allele origin: germline. Affected: no.

Breakthrough Genomics
Classification: Benign. Review status: criteria provided, single submitter. Criteria: ACMG Guidelines, 2015. Collection method: not provided. Allele origin: germline. Inheritance: Autosomal recessive inheritance. Affected: yes.